The following is an entry in ClinVar:

ClinVar aggregate classification (germline): Uncertain significance (1 of 4 stars; one submission).

Conditions:
Emery-Dreifuss muscular dystrophy 4, autosomal dominant (EDMD4). Also called: EMERY-DREIFUSS MUSCULAR DYSTROPHY 4 WITH VARIABLE FEATURES. Identifiers: Orphanet 261, MedGen C2751807, MONDO:0013071, OMIM 612998.
Autosomal recessive ataxia, Beauce type. Also called: Spinocerebellar ataxia, autosomal recessive 8; ATAXIA, RECESSIVE, OF BEAUCE; SYNE1 Deficiency; SYNE1-Related Autosomal Recessive Cerebellar Ataxia. Identifiers: Orphanet 88644, MedGen C1853116, MONDO:0012549, OMIM 610743.

Allele frequency attached by ClinVar (database versions not stated): gnomAD 0.00002 and 0.00003; TOPMed 0.00003; gnomAD exomes 0.00006; ExAC 0.00007; 1000 Genomes Project 0.00020; 1000 Genomes Project 30x 0.00031.
gnomAD v4.1: 30 of 1,614,130 alleles (0.0019%); highest among the groups gnomAD compares: East Asian, 0.042%; no homozygotes.

Submission:

Labcorp Genetics (formerly Invitae), Labcorp
Classification: Uncertain significance for Emery-Dreifuss muscular dystrophy 4, autosomal dominant; Autosomal recessive ataxia, Beauce type. Last evaluated: 2022-08-09. Review status: criteria provided, single submitter. Criteria: Invitae Variant Classification Sherloc (09022015). Collection method: clinical testing. Allele origin: germline.
Comment: In summary, the available evidence is currently insufficient to determine the role of this variant in disease. Therefore, it has been classified as a Variant of Uncertain Significance. Algorithms developed to predict the effect of missense changes on protein structure and function output the following: SIFT: "Tolerated"; PolyPhen-2: "Benign"; Align-GVGD: "Class C0". The methionine amino acid residue is found in multiple mammalian species, which suggests that this missense change does not adversely affect protein function. ClinVar contains an entry for this variant (Variation ID: 1045232). This variant has not been reported in the literature in individuals affected with SYNE1-related conditions. This variant is present in population databases (rs146099481, gnomAD 0.06%). This sequence change replaces valine, which is neutral and non-polar, with methionine, which is neutral and non-polar, at codon 2399 of the SYNE1 protein (p.Val2399Met).

NM_182961.4(SYNE1):c.7174G>A (p.Val2392Met)

Gene: SYNE1 (spectrin repeat containing nuclear envelope protein 1; minus strand). Cytogenetic location: 6q25.2.
Variant type: single nucleotide variant.
Coding change: c.7174G>A on transcript NM_182961.4 (MANE Select); coding-DNA position 7174, G replaced by A.
Protein change: p.Val2392Met; replaces valine 2392 with methionine.
Molecular consequence: missense variant.
Genome position (GRCh38, 1-based): chr6:152,399,679, C>T on the plus strand (G>A on the coding strand, the complement: SYNE1 is on the minus strand). VCF-style: chr6-152399679-C-T. GRCh37 (hg19) VCF-style: chr6-152720814-C-T.
Other names: c.7195G>A, p.Val2399Met (NM_033071.5); short protein forms V2392M, V2399M.
Identifiers: ClinVar variation 1045232 (VCV001045232.9), dbSNP rs146099481, ClinGen allele CA4057898.
Genomic context (GRCh38, chr6:152,399,679, plus strand): 5'-TGAAGTGTTTTTCCAGAGATTCCTGCAGGCTGGCCTGGGTTTTGGAGCACAACTGGCTCA[C>T]GGCTTCATGTTTCTTTATCAGACCAGTCATTGCACGGCCCAGGCTCTCCAACTCAGCTGA-3'
Protein context (NP_892006.3, residues 2382-2402): MTGLIKKHEA[Val2392Met]SQLCSKTQAS